The following is an entry in ClinVar:

ClinVar aggregate classification (germline): Uncertain significance (1 of 4 stars; one submission).

Conditions:
Myoclonus, intractable, neonatal (NEIMY). Identifiers: MedGen C4310658, MONDO:0014979, OMIM 617235.

Submission:

Neuberg Centre For Genomic Medicine, NCGM
Classification: Uncertain significance for Myoclonus, intractable, neonatal. Last evaluated: 2023-06-02. Review status: criteria provided, single submitter. Criteria: ACMG Guidelines, 2015. Collection method: clinical testing. Allele origin: germline. Inheritance: Autosomal dominant inheritance. Affected: yes.
Comment: The observed missense c.957G>A(p.Met319Ile) variant in KIF5A gene has not been reported previously as a pathogenic variant nor as a benign variant, to our knowledge. This variant is absent in gnomAD Exomes. The amino acid Met at position 319 is changed to a Ile changing protein sequence and it might alter its composition and physico-chemical properties. The amino acid change p.Met319Ile in KIF5A is predicted as conserved by GERP++ and PhyloP across 100 vertebrates. Multiple lines of computational evidence (Polyphen - Possibly Damaging, SIFT - Damaging, and MutationTaster - Disease causing) predict a damaging effect on protein structure and function for this variant. For these reasons, this variant has been classified as Uncertain Significance.

NM_004984.4(KIF5A):c.957G>A (p.Met319Ile)

Gene: KIF5A (kinesin family member 5A; plus strand). Cytogenetic location: 12q13.3.
Variant type: single nucleotide variant.
Coding change: c.957G>A on transcript NM_004984.4 (MANE Select); coding-DNA position 957, G replaced by A.
Protein change: p.Met319Ile; replaces methionine 319 with isoleucine.
Molecular consequence: missense variant.
Genome position (GRCh38, 1-based): chr12:57,569,393, G>A. VCF-style: chr12-57569393-G-A. GRCh37 (hg19) VCF-style: chr12-57963176-G-A.
Other names: c.690G>A, p.Met230Ile (NM_001354705.2); short protein forms M230I, M319I.
Identifiers: ClinVar variation 3362322 (VCV003362322.3).
Genomic context (GRCh38, chr12:57,569,393, plus strand): 5'-TATGTTCATCTGTTGCTCACCATCCAGTTATAATGATGCAGAGACCAAGTCCACCCTGAT[G>A]TTTGGGCAGCGGTCAGTGGCAGGGTCCCCAGAGGGATCCCTGGTACCCAGCTTCCCATCC-3'
Protein context (NP_004975.2, residues 309-329): YNDAETKSTL[Met319Ile]FGQRAKTIKN